The following is an entry in ClinVar:

ClinVar aggregate classification (germline): Pathogenic (1 of 4 stars; one submission).

Conditions:
Joubert syndrome and related disorders. Identifiers: Orphanet 140874, MedGen C5679612, MONDO:0015369.

Submission:

Myriad Genetics, Inc.
Classification: Pathogenic for Joubert syndrome and related disorders. Last evaluated: 2024-11-19. Review status: criteria provided, single submitter. Criteria: Myriad Autosomal Dominant, Autosomal Recessive and X-Linked Classification Criteria (2023). Collection method: clinical testing. Allele origin: unknown.
Comment: NM_001080522.2(CC2D2A):c.4345_4346insA(P1449Hfs*7) is expected to be pathogenic in the context of CC2D2A-related disorders. This variant is predicted to lead to an abnormal or absent protein product due to the creation of a premature termination codon in CC2D2A, a gene where loss-of-function variants are known to be pathogenic. Please note: this variant was assessed in the context of healthy population screening.

NM_001378615.1(CC2D2A):c.4345_4346insA (p.Pro1449fs)

Genes: CC2D2A (coiled-coil and C2 domain containing 2A; plus strand), FBXL5 (F-box and leucine rich repeat protein 5; minus strand). Cytogenetic location: 4p15.32.
Variant type: Insertion.
Coding change: c.4345_4346insA on transcript NM_001378615.1 (MANE Select); coding-DNA positions 4345 to 4346, A inserted.
Protein change: p.Pro1449fs; shifts the reading frame from proline 1449.
Molecular consequence: frameshift variant.
Genome position: GRCh38 VCF-style: chr4-15596115-C-CA. GRCh37 (hg19) VCF-style: chr4-15597738-C-CA.
Other names: c.4345_4346insA, p.Pro1449fs (NM_001080522.2); c.4198_4199insA, p.Pro1400fs (NM_001378617.1); short protein forms P1400fs, P1449fs.
Identifiers: ClinVar variation 5013767 (VCV005013767.1).